The following is an entry in ClinVar:

ClinVar aggregate classification (germline): Uncertain significance (1 of 4 stars; one submission).

gnomAD v4.1: 4 of 1,614,098 alleles (0.00025%); highest among the groups gnomAD compares: Non-Finnish European, 0.00034%; no homozygotes.

Submission:

Labcorp Genetics (formerly Invitae), Labcorp
Classification: Uncertain significance. Last evaluated: 2025-12-06. Review status: criteria provided, single submitter. Criteria: Invitae Variant Classification Sherloc (09022015). Collection method: clinical testing. Allele origin: germline.
Comment: This sequence change replaces arginine, which is basic and polar, with serine, which is neutral and polar, at codon 1149 of the TAOK2 protein (p.Arg1149Ser). This variant is present in population databases (no rsID available, gnomAD 0.0009%). This variant has not been reported in the literature in individuals affected with TAOK2-related conditions. ClinVar contains an entry for this variant (Variation ID: 3606656). An algorithm developed to predict the effect of missense changes on protein structure and function (PolyPhen-2) suggests that this variant is likely to be tolerated. In summary, the available evidence is currently insufficient to determine the role of this variant in disease. Therefore, it has been classified as a Variant of Uncertain Significance.

NM_016151.4(TAOK2):c.3447G>T (p.Arg1149Ser)

Gene: TAOK2 (TAO kinase 2; plus strand). Cytogenetic location: 16p11.2.
Variant type: single nucleotide variant.
Coding change: c.3447G>T on transcript NM_016151.4 (MANE Select); coding-DNA position 3447, G replaced by T.
Protein change: p.Arg1149Ser; replaces arginine 1149 with serine.
Molecular consequence: missense variant. On other transcripts: intron variant (1).
Genome position (GRCh38, 1-based): chr16:29,987,719, G>T. VCF-style: chr16-29987719-G-T. GRCh37 (hg19) VCF-style: chr16-29999040-G-T.
Other names: c.3108G>T, p.Arg1036Ser (NM_001252043.2); c.2232+1215G>T (NM_004783.4); short protein forms R1036S, R1149S.
Identifiers: ClinVar variation 3606656 (VCV003606656.2).
Genomic context (GRCh38, chr16:29,987,719, plus strand): 5'-CCCTGGGCCCCGGCGGCGTAATCCCCGCACCACCCAACACCCATTAGCTCTGTTGGCAAG[G>T]GTCTGGGTCCTGTGCAAGGGCTGGAACTGGCGTCTGGCACGGGCCAGCCAGGGTTTAGCA-3'
Protein context (NP_057235.2, residues 1139-1159): TTQHPLALLA[Arg1149Ser]VWVLCKGWNW